The following is an entry in ClinVar:

NM_001143986.2(TLE6):c.1147C>T (p.Gln383Ter)

Gene: TLE6 (TLE family member 6, subcortical maternal complex member; plus strand). Cytogenetic location: 19p13.3.
Variant type: single nucleotide variant.
Coding change: c.1147C>T on transcript NM_001143986.2 (MANE Select); coding-DNA position 1147, C replaced by T.
Protein change: p.Gln383Ter; replaces glutamine 383 with a stop codon.
Molecular consequence: nonsense.
Genome position (GRCh38, 1-based): chr19:2,989,688, C>T. VCF-style: chr19-2989688-C-T. GRCh37 (hg19) VCF-style: chr19-2989686-C-T.
Other names: c.778C>T, p.Gln260Ter (NM_024760.3); short protein forms Q260*, Q383*.
Identifiers: ClinVar variation 4849455 (VCV004849455.1).

ClinVar aggregate classification (germline): Likely pathogenic (1 of 4 stars; one submission).

Conditions:
Preimplantation embryonic lethality 1 (OZEMA15). Also called: OOCYTE/ZYGOTE/EMBRYO MATURATION ARREST 15. Identifiers: MedGen C4225197, OMIM 616814, MONDO:0014783.

gnomAD v4.1: 1 of 1,614,206 alleles (0.000062%); highest among the groups gnomAD compares: Middle Eastern, 0.017%; no homozygotes.

Submission:

First Genomix Gene Laboratory, Genetic Diagnostics Department
Classification: Likely pathogenic for Preimplantation embryonic lethality 1. Last evaluated: 2025-06-11. Review status: criteria provided, single submitter. Criteria: ACMG Guidelines, 2015. Collection method: clinical testing. Allele origin: germline. Inheritance: Autosomal recessive inheritance. Affected: no.